The following is an entry in ClinVar:

NM_052867.4(NALCN):c.3885+1G>C

Gene: NALCN (sodium leak channel, non-selective; minus strand). Cytogenetic location: 13q32.3.
Variant type: single nucleotide variant.
Coding change: c.3885+1G>C on transcript NM_052867.4 (MANE Select); the canonical splice donor site of the intron after coding-DNA position 3885, G replaced by C.
Molecular consequence: splice donor variant.
Genome position (GRCh38, 1-based): chr13:101,081,526, C>G on the plus strand (G>C on the coding strand, the complement: NALCN is on the minus strand). VCF-style: chr13-101081526-C-G. GRCh37 (hg19) VCF-style: chr13-101733877-C-G.
Other names: c.3798+1G>C (NM_001350751.2, NM_001350750.2); c.3885+1G>C (NM_001350749.2); c.3972+1G>C (NM_001350748.2).
Identifiers: ClinVar variation 4886078 (VCV004886078.2).

ClinVar aggregate classification (germline): Likely pathogenic (1 of 4 stars; one submission).

Submission:

Dasa
Classification: Likely pathogenic. Last evaluated: 2026-01-09. Review status: criteria provided, single submitter. Criteria: DASA Assertion Criteria. Collection method: clinical testing. Allele origin: germline.
Comment: NM_052867.4(NALCN):c.3885+1G>C affects a canonical splice site and is predicted to disrupt normal RNA splicing. Loss of function is an established disease mechanism for NALCN-associated disorders. Also, this variant is rare in population databases. Based on the currently available evidence, this variant is classified as likely pathogenic.